The following is an entry in ClinVar:

NM_020937.4(FANCM):c.4623A>G (p.Ser1541=)

Gene: FANCM (FA complementation group M; plus strand). Cytogenetic location: 14q21.2.
Variant type: single nucleotide variant.
Coding change: c.4623A>G on transcript NM_020937.4 (MANE Select); coding-DNA position 4623, A replaced by G.
Protein change: p.Ser1541=; no amino-acid change (serine 1541 retained).
Molecular consequence: synonymous variant.
Genome position (GRCh38, 1-based): chr14:45,185,324, A>G. VCF-style: chr14-45185324-A-G. GRCh37 (hg19) VCF-style: chr14-45654527-A-G.
Other names: c.4545A>G, p.Ser1515= (NM_001308133.2).
Identifiers: ClinVar variation 3029396 (VCV003029396.4), dbSNP rs1889332652, ClinGen allele CA486141395.

ClinVar aggregate classification (germline): Conflicting classifications of pathogenicity. Review status: criteria provided, conflicting classifications (1 of 4 stars). 3 submissions from 3 submitters: Uncertain significance (1); Likely benign (1). 1 of the submissions does not count toward it. Last evaluated 2025-10-08.

Conditions:
Inborn genetic diseases. Identifiers: MedGen C0950123, MeSH D030342.
FANCM-related disorder. Also called: FANCM-related condition.

Allele frequency attached by ClinVar (database versions not stated): TOPMed 0.00001.

Submissions (3):

Ambry Genetics
Classification: Likely benign for Inborn genetic diseases. Last evaluated: 2025-10-08. Review status: criteria provided, single submitter. Criteria: Ambry Variant Classification Scheme 2023. Collection method: clinical testing. Allele origin: germline.

Quest Diagnostics Nichols Institute San Juan Capistrano
Classification: Uncertain significance. Last evaluated: 2025-04-08. Review status: criteria provided, single submitter. Criteria: Quest Diagnostics criteria. Collection method: clinical testing. Allele origin: unknown.
Comment: The FANCM c.4623A>G (p.Ser1541=) synonymous variant has not been reported in individuals with FANCM-related conditions in the published literature. It also has not been reported in large, multi-ethnic general populations (Genome Aggregation Database). Analysis of this variant using software algorithms for the prediction of the effect of nucleotide changes on splicing yielded predictions that this variant does not affect FANCM mRNA splicing. Based on the available information, we are unable to determine the clinical significance of this variant.

PreventionGenetics, part of Exact Sciences
Classification: Likely benign for FANCM-related condition. Last evaluated: 2023-08-01. Review status: no assertion criteria provided. Collection method: clinical testing. Allele origin: germline. Not counted in ClinVar's aggregate classification.
Comment: This variant is classified as likely benign based on ACMG/AMP sequence variant interpretation guidelines (Richards et al. 2015 PMID: 25741868, with internal and published modifications).